The following is an entry in ClinVar:

NM_182943.3(PLOD2):c.1538C>T (p.Thr513Ile)

Gene: PLOD2 (procollagen-lysine,2-oxoglutarate 5-dioxygenase 2; minus strand). Cytogenetic location: 3q24.
Variant type: single nucleotide variant.
Coding change: c.1538C>T on transcript NM_182943.3 (MANE Select); coding-DNA position 1538, C replaced by T.
Protein change: p.Thr513Ile; replaces threonine 513 with isoleucine.
Molecular consequence: missense variant. On other transcripts: intron variant (1).
Genome position (GRCh38, 1-based): chr3:146,077,887, G>A on the plus strand (C>T on the coding strand, the complement: PLOD2 is on the minus strand). VCF-style: chr3-146077887-G-A. GRCh37 (hg19) VCF-style: chr3-145795674-G-A.
Other names: c.1501-992C>T (NM_000935.3); short protein forms T513I.
Identifiers: ClinVar variation 1515803 (VCV001515803.8), dbSNP rs1394827519, ClinGen allele CA354887491.

ClinVar aggregate classification (germline): Uncertain significance (1 of 4 stars; one submission).

Submission:

Labcorp Genetics (formerly Invitae), Labcorp
Classification: Uncertain significance. Last evaluated: 2021-03-10. Review status: criteria provided, single submitter. Criteria: Invitae Variant Classification Sherloc (09022015). Collection method: clinical testing. Allele origin: germline.
Comment: This sequence change replaces threonine with isoleucine at codon 513 of the PLOD2 protein (p.Thr513Ile). The threonine residue is weakly conserved and there is a moderate physicochemical difference between threonine and isoleucine. This variant is not present in population databases (ExAC no frequency). This variant has not been reported in the literature in individuals with PLOD2-related conditions. Algorithms developed to predict the effect of missense changes on protein structure and function are either unavailable or do not agree on the potential impact of this missense change (SIFT: "Deleterious"; PolyPhen-2: "Benign"; Align-GVGD: "Class C0"). In summary, the available evidence is currently insufficient to determine the role of this variant in disease. Therefore, it has been classified as a Variant of Uncertain Significance.